The following is an entry in ClinVar:

ClinVar aggregate classification (germline): Uncertain significance. Review status: criteria provided, multiple submitters, no conflicts (2 of 4 stars). 2 submissions from 2 submitters: Uncertain significance (2). Last evaluated 2024-12-11.

Conditions:
FRMPD4-related disorder. Also called: FRMPD4-related condition.

Allele frequency attached by ClinVar (database versions not stated): gnomAD exomes 0.00001.
gnomAD v4.1: 8 of 1,211,201 alleles (0.00066%); highest among the groups gnomAD compares: Admixed American, 0.0065%; no homozygotes.

Submissions (2):

Women's Health and Genetics/Laboratory Corporation of America, LabCorp
Classification: Uncertain significance. Last evaluated: 2024-12-11. Review status: criteria provided, single submitter. Criteria: LabCorp Variant Classification Summary - May 2015. Collection method: clinical testing. Allele origin: germline.
Comment: Variant summary: FRMPD4 c.3466T>C (p.Cys1156Arg) results in a non-conservative amino acid change in the encoded protein sequence. Three of five in-silico tools predict a benign effect of the variant on protein function. The variant allele was found at a frequency of 1.1e-05 in 183340 control chromosomes. The available data on variant occurrences in the general population are insufficient to allow any conclusion about variant significance. To our knowledge, no occurrence of c.3466T>C in individuals affected with X-Linked Intellectual Disability 104 and no experimental evidence demonstrating its impact on protein function have been reported. ClinVar contains an entry for this variant (Variation ID: 2629068). Based on the evidence outlined above, the variant was classified as uncertain significance.

PreventionGenetics, part of Exact Sciences
Classification: Uncertain significance for FRMPD4-related condition. Last evaluated: 2023-08-02. Review status: criteria provided, single submitter. Criteria: ACMG Guidelines, 2015. Collection method: clinical testing. Allele origin: germline.
Comment: The FRMPD4 c.3466T>C variant is predicted to result in the amino acid substitution p.Cys1156Arg. To our knowledge, this variant has not been reported in the literature. This variant is reported in 0.0073% of alleles in individuals of Latino descent in gnomAD. At this time, the clinical significance of this variant is uncertain due to the absence of conclusive functional and genetic evidence.

NM_001368397.1(FRMPD4):c.3466T>C (p.Cys1156Arg)

Gene: FRMPD4 (FERM and PDZ domain containing 4; plus strand). Cytogenetic location: Xp22.2.
Variant type: single nucleotide variant.
Coding change: c.3466T>C on transcript NM_001368397.1 (MANE Select); coding-DNA position 3466, T replaced by C.
Protein change: p.Cys1156Arg; replaces cysteine 1156 with arginine.
Molecular consequence: missense variant.
Genome position (GRCh38, 1-based): chrX:12,718,292, T>C. VCF-style: chrX-12718292-T-C. GRCh37 (hg19) VCF-style: chrX-12736411-T-C.
Other names: c.3577T>C, p.Cys1193Arg (NM_001368395.3, NM_001368398.3); c.3472T>C, p.Cys1158Arg (NM_001368396.3); c.3457T>C, p.Cys1153Arg (NM_001368399.3); c.3346T>C, p.Cys1116Arg (NM_001368400.3); c.3442T>C, p.Cys1148Arg (NM_001368401.1, NM_001368402.3); c.3466T>C, p.Cys1156Arg (NM_014728.3); short protein forms C1116R, C1148R, C1153R, C1156R, C1158R, C1193R.
Identifiers: ClinVar variation 2629068 (VCV002629068.2), dbSNP rs1430635493, ClinGen allele CA412320128.